The following is an entry in ClinVar:

ClinVar aggregate classification (germline): Uncertain significance (1 of 4 stars; one submission).

Conditions:
Familial cancer of breast. Also called: BREAST CANCER, FAMILIAL; Hereditary breast cancer; hereditary breast carcinoma. Identifiers: Orphanet 227535, MedGen C0346153, MONDO:0016419, OMIM 114480. Disease mechanism: loss of function.
Fanconi anemia complementation group J. Also called: BRIP1-Related Fanconi Anemia. Identifiers: Orphanet 84, MedGen C1836860, MONDO:0012187, OMIM 609054.

Submission:

Labcorp Genetics (formerly Invitae), Labcorp
Classification: Uncertain significance for Familial cancer of breast; Fanconi anemia complementation group J. Last evaluated: 2021-09-26. Review status: criteria provided, single submitter. Criteria: Invitae Variant Classification Sherloc (09022015). Collection method: clinical testing. Allele origin: germline.
Comment: In summary, the available evidence is currently insufficient to determine the role of this variant in disease. Therefore, it has been classified as a Variant of Uncertain Significance. Experimental studies and prediction algorithms are not available or were not evaluated, and the functional significance of this variant is currently unknown. This variant has not been reported in the literature in individuals affected with BRIP1-related conditions. This variant is not present in population databases (ExAC no frequency). This sequence change creates a premature translational stop signal (p.Thr1226Leufs*4) in the BRIP1 gene. While this is not anticipated to result in nonsense mediated decay, it is expected to disrupt the last 24 amino acid(s) of the BRIP1 protein.

NM_032043.3(BRIP1):c.3676del (p.Thr1226fs)

Gene: BRIP1 (BRCA1 interacting DNA helicase 1; minus strand). Cytogenetic location: 17q23.2.
Variant type: Deletion.
Coding change: c.3676del on transcript NM_032043.3 (MANE Select); coding-DNA position 3676, one base deleted (A; older notation c.3676delA).
Protein change: p.Thr1226fs; shifts the reading frame from threonine 1226.
Molecular consequence: frameshift variant.
Genome position (GRCh38, 1-based): chr17:61,683,370, T deleted on the plus strand (A on the coding strand, the reverse complement: BRIP1 is on the minus strand); the first of 5 consecutive T bases (chr17:61,683,370-61,683,374); deleting any one gives the same sequence. VCF-style (leftmost placement, unchanged base first): chr17-61683369-GT-G. GRCh37 (hg19) VCF-style: chr17-59760730-GT-G.
Other names: short protein forms T1226fs.
Identifiers: ClinVar variation 1383402 (VCV001383402.7), dbSNP rs2144067889, ClinGen allele CA2573154273.